The following is an entry in ClinVar:

ClinVar aggregate classification (germline): Uncertain significance (1 of 4 stars; one submission).

Allele frequency attached by ClinVar (database versions not stated): gnomAD exomes below 0.00001 and 0.00003; TOPMed below 0.00001; gnomAD 0.00001; ExAC 0.00003; 1000 Genomes Project 30x 0.00016; 1000 Genomes Project 0.00020.
gnomAD v4.1: 6 of 1,613,488 alleles (0.00037%); highest among the groups gnomAD compares: East Asian, 0.013%; no homozygotes.

Submission:

Labcorp Genetics (formerly Invitae), Labcorp
Classification: Uncertain significance. Last evaluated: 2024-11-04. Review status: criteria provided, single submitter. Criteria: Invitae Variant Classification Sherloc (09022015). Collection method: clinical testing. Allele origin: germline.
Comment: This sequence change replaces proline, which is neutral and non-polar, with serine, which is neutral and polar, at codon 843 of the GEN1 protein (p.Pro843Ser). This variant is present in population databases (rs183886409, gnomAD 0.04%). This variant has not been reported in the literature in individuals affected with GEN1-related conditions. ClinVar contains an entry for this variant (Variation ID: 1508304). An algorithm developed to predict the effect of missense changes on protein structure and function outputs the following: PolyPhen-2: "Benign". The serine amino acid residue is found in multiple mammalian species, which suggests that this missense change does not adversely affect protein function. In summary, the available evidence is currently insufficient to determine the role of this variant in disease. Therefore, it has been classified as a Variant of Uncertain Significance.

NM_001130009.3(GEN1):c.2527C>T (p.Pro843Ser)

Gene: GEN1 (GEN1 structure-specific endonuclease; plus strand). Cytogenetic location: 2p24.2.
Variant type: single nucleotide variant.
Coding change: c.2527C>T on transcript NM_001130009.3 (MANE Select); coding-DNA position 2527, C replaced by T.
Protein change: p.Pro843Ser; replaces proline 843 with serine.
Molecular consequence: missense variant.
Genome position (GRCh38, 1-based): chr2:17,781,739, C>T. VCF-style: chr2-17781739-C-T. GRCh37 (hg19) VCF-style: chr2-17963006-C-T.
Other names: c.2527C>T, p.Pro843Ser (NM_182625.5); short protein forms P843S.
Identifiers: ClinVar variation 1508304 (VCV001508304.8), dbSNP rs183886409, ClinGen allele CA1540973.